The following is an entry in ClinVar:

NM_000363.5(TNNI3):c.508C>T (p.Arg170Trp)

Gene: TNNI3 (troponin I3, cardiac type; minus strand). Cytogenetic location: 19q13.42.
Variant type: single nucleotide variant.
Coding change: c.508C>T on transcript NM_000363.5 (MANE Select); coding-DNA position 508, C replaced by T.
Protein change: p.Arg170Trp; replaces arginine 170 with tryptophan.
Molecular consequence: missense variant.
Genome position (GRCh38, 1-based): chr19:55,154,071, G>A on the plus strand (C>T on the coding strand, the complement: TNNI3 is on the minus strand). VCF-style: chr19-55154071-G-A. GRCh37 (hg19) VCF-style: chr19-55665439-G-A.
Other names: p.R170W:CGG>TGG; short protein forms R170W.
Identifiers: ClinVar variation 179285 (VCV000179285.23), dbSNP rs727503504, ClinGen allele CA021778.

ClinVar aggregate classification (germline): Pathogenic/Likely pathogenic. Review status: criteria provided, multiple submitters, no conflicts (2 of 4 stars). 7 submissions from 7 submitters: Pathogenic (6); Likely pathogenic (1). Last evaluated 2025-11-30.

Conditions:
Restrictive cardiomyopathy. Identifiers: Orphanet 217632, MedGen C0007196, MeSH D002313, MONDO:0005201, HP:0001723.
TNNI3-related disorder. Also called: TNNI3-related condition; TNNI3-related disorders.
Cardiomyopathy, familial restrictive, 1. Identifiers: Orphanet 75249, MedGen C1861861, MONDO:0007270, OMIM 115210.
Hypertrophic cardiomyopathy. Also called: HYPERTROPHIC MYOCARDIOPATHY. Identifiers: Orphanet 217569, MedGen C0007194, MeSH D002312, MONDO:0005045, HP:0001639.

Submissions (7):

Variantyx, Inc.
Classification: Pathogenic for Cardiomyopathy, familial restrictive, 1. Last evaluated: 2025-11-30. Review status: criteria provided, single submitter. Criteria: Variantyx Assertion Criteria 2022. Collection method: clinical testing. Allele origin: de novo. Inheritance: Autosomal dominant inheritance. Affected: yes.
Comment: This is a nonsynonymous variant in the TNNI3 gene (OMIM: 191044). Pathogenic variants in this gene have been associated with autosomal dominant familial restrictive cardiomyopathy 1. This variant has been reported in at least one affected individuals (PMID: 35614389) (PS4). Functional studies have shown that this variant alters TNNI3 protein function (PMID: 32182250) (PS3), and multiple computational algorithms predict a deleterious effect for this variant (REVEL score: 0.808) (PP3). Moreover, an alternate amino acid changecat this position (p.Arg170Gln) has been previously reported in similarly affected individuals, which suggests that this residue is biologically important (PMID: 20031618, 25940119) (PM5). This variant is absent from control populations (PM2). Based on the current evidence, this variant is classified as pathogenic for autosomal dominant familial restrictive cardiomyopathy 1.This variant was reported by previous genetic testing.

Labcorp Genetics (formerly Invitae), Labcorp
Classification: Pathogenic for Hypertrophic cardiomyopathy. Last evaluated: 2025-11-12. Review status: criteria provided, single submitter. Criteria: Invitae Variant Classification Sherloc (09022015). Collection method: clinical testing. Allele origin: germline.
Comment: This sequence change replaces arginine, which is basic and polar, with tryptophan, which is neutral and slightly polar, at codon 170 of the TNNI3 protein (p.Arg170Trp). This variant is not present in population databases (gnomAD no frequency). This missense change has been observed in individual(s) with restrictive cardiomyopathy (internal data). In at least one individual the variant was observed to be de novo. ClinVar contains an entry for this variant (Variation ID: 179285). An algorithm developed to predict the effect of missense changes on protein structure and function (PolyPhen-2) suggests that this variant is likely to be disruptive. This variant disrupts the p.Arg170 amino acid residue in TNNI3. Other variant(s) that disrupt this residue have been determined to be pathogenic (PMID: 20031618, 25940119, 27532257). This suggests that this residue is clinically significant, and that variants that disrupt this residue are likely to be disease-causing. For these reasons, this variant has been classified as Pathogenic.

GeneDx
Classification: Pathogenic. Last evaluated: 2023-02-06. Review status: criteria provided, single submitter. Criteria: GeneDx Variant Classification Process June 2021. Collection method: clinical testing. Allele origin: germline. Affected: yes.
Comment: Published functional studies suggest a damaging effect via impaired calcium handling and thin filament dysfunction due to weak actin interaction (Cimiotti et al., 2020); In silico analysis supports that this missense variant has a deleterious effect on protein structure/function; Not observed at significant frequency in large population cohorts (gnomAD); This variant is associated with the following publications: (PMID: 28301460, 32182250, 31912959, 33906374, 33429969, 36174041, 35614389, 33583869)

Blueprint Genetics
Classification: Pathogenic for TNNI3-related disorders. Last evaluated: 2021-09-23. Review status: criteria provided, single submitter. Criteria: ACMG Guidelines, 2015. Collection method: clinical testing. Allele origin: germline. Affected: yes. Observed: 3 variant alleles.

Institute of Human Genetics Munich, TUM University Hospital
Classification: Pathogenic for Cardiomyopathy, familial restrictive, 1. Last evaluated: 2020-07-21. Review status: criteria provided, single submitter. Criteria: Classification criteria August 2017. Collection method: clinical testing. Allele origin: de novo. Inheritance: Autosomal dominant inheritance. Affected: yes. Observed: 1 heterozygote.

Center for Human Genetics, University of Leuven
Classification: Pathogenic for Hypertrophic cardiomyopathy. Last evaluated: 2017-02-09. Review status: criteria provided, single submitter. Criteria: ACMG Guidelines, 2015. Collection method: clinical testing. Allele origin: de novo. Inheritance: Autosomal dominant inheritance. Affected: yes. Observed: 1 variant allele.
Comment: ACMG score likely pathogenic

Laboratory for Molecular Medicine, Mass General Brigham Personalized Medicine
Classification: Likely pathogenic for Restrictive cardiomyopathy. Last evaluated: 2015-05-12. Review status: criteria provided, single submitter. Criteria: LMM Criteria. Collection method: clinical testing. Allele origin: germline. Inheritance: Autosomal dominant inheritance. Observed: 2 variant alleles.
Comment: proposed classification - variant undergoing re-assessment, contact laboratory

Literature cited by the submitters: PubMed 32182250 (cited by Variantyx, Inc.); PubMed 20031618 (cited by 3 submitters); PubMed 25940119 (cited by Variantyx, Inc. and Labcorp Genetics (formerly Invitae), Labcorp); PubMed 31912959 (cited by Variantyx, Inc.); PubMed 35614389 (cited by Variantyx, Inc.); PubMed 27532257 (cited by Labcorp Genetics (formerly Invitae), Labcorp).